The following is an entry in ClinVar:

NM_002230.4(JUP):c.1816G>C (p.Gly606Arg)

Gene: JUP (junction plakoglobin; minus strand). Cytogenetic location: 17q21.2.
Variant type: single nucleotide variant.
Coding change: c.1816G>C on transcript NM_002230.4 (MANE Select); coding-DNA position 1816, G replaced by C.
Protein change: p.Gly606Arg; replaces glycine 606 with arginine.
Molecular consequence: missense variant.
Genome position (GRCh38, 1-based): chr17:41,757,742, C>G on the plus strand (G>C on the coding strand, the complement: JUP is on the minus strand). VCF-style: chr17-41757742-C-G. GRCh37 (hg19) VCF-style: chr17-39913994-C-G.
Other names: c.1816G>C, p.Gly606Arg (NM_001352773.2, NM_001352774.2, NM_001352775.2 and 3 more transcripts); short protein forms G606R.
Identifiers: ClinVar variation 1466705 (VCV001466705.10), dbSNP rs1371912642, ClinGen allele CA399492530.

ClinVar aggregate classification (germline): Uncertain significance. Review status: criteria provided, multiple submitters, no conflicts (2 of 4 stars). 2 submissions from 2 submitters: Uncertain significance (2). Last evaluated 2025-12-29.

Conditions:
Arrhythmogenic right ventricular dysplasia 12. Also called: ARRHYTHMOGENIC RIGHT VENTRICULAR DYSPLASIA, FAMILIAL, 12. Identifiers: MedGen C1969081, MONDO:0012684, OMIM 611528.
Naxos disease (NXD). Also called: CARDIOMYOPATHY, ARRHYTHMOGENIC RIGHT VENTRICULAR, WITH SKIN, HAIR, AND NAIL ABNORMALITIES; WOOLLY HAIR, PALMOPLANTAR KERATODERMA, AND CARDIAC ABNORMALITIES; KERATOSIS PALMOPLANTARIS WITH ARRHYTHMOGENIC CARDIOMYOPATHY; MAL DE NAXOS; PALMOPLANTAR KERATODERMA WITH ARRHYTHMOGENIC RIGHT VENTRICULAR CARDIOMYOPATHY AND WOOLLY HAIR. Identifiers: Orphanet 34217, MedGen C1832600, MONDO:0011017, OMIM 601214.
Cardiovascular phenotype. Identifiers: MedGen CN230736.

Allele frequency attached by ClinVar (database versions not stated): TOPMed below 0.00001.
gnomAD v4.1: 1 of 1,612,686 alleles (0.000062%); highest among the groups gnomAD compares: Non-Finnish European, 0.000085%; no homozygotes.

Submissions (2):

Labcorp Genetics (formerly Invitae), Labcorp
Classification: Uncertain significance for Arrhythmogenic right ventricular dysplasia 12; Naxos disease. Last evaluated: 2025-12-29. Review status: criteria provided, single submitter. Criteria: Invitae Variant Classification Sherloc (09022015). Collection method: clinical testing. Allele origin: germline.
Comment: This sequence change replaces glycine, which is neutral and non-polar, with arginine, which is basic and polar, at codon 606 of the JUP protein (p.Gly606Arg). This variant is not present in population databases (gnomAD no frequency). This missense change has been observed in individual(s) with JUP-related conditions (PMID: 30844837). ClinVar contains an entry for this variant (Variation ID: 1466705). An algorithm developed to predict the effect of missense changes on protein structure and function (PolyPhen-2) suggests that this variant is likely to be disruptive. In summary, the available evidence is currently insufficient to determine the role of this variant in disease. Therefore, it has been classified as a Variant of Uncertain Significance.

Ambry Genetics
Classification: Uncertain significance for Cardiovascular phenotype. Last evaluated: 2019-05-29. Review status: criteria provided, single submitter. Criteria: Ambry Variant Classification Scheme 2023. Collection method: clinical testing. Allele origin: germline.
Comment: The p.G606R variant (also known as c.1816G>C), located in coding exon 10 of the JUP gene, results from a G to C substitution at nucleotide position 1816. The glycine at codon 606 is replaced by arginine, an amino acid with dissimilar properties. This amino acid position is highly conserved in available vertebrate species. In addition, the in silico prediction for this alteration is inconclusive. Since supporting evidence is limited at this time, the clinical significance of this alteration remains unclear.

Literature cited by the submitters: PubMed 30844837 (cited by Labcorp Genetics (formerly Invitae), Labcorp).